The following is an entry in ClinVar:

NM_000135.4(FANCA):c.3125C>G (p.Pro1042Arg)

Gene: FANCA (FA complementation group A; minus strand). Cytogenetic location: 16q24.3.
Variant type: single nucleotide variant.
Coding change: c.3125C>G on transcript NM_000135.4 (MANE Select); coding-DNA position 3125, C replaced by G.
Protein change: p.Pro1042Arg; replaces proline 1042 with arginine.
Molecular consequence: missense variant.
Genome position (GRCh38, 1-based): chr16:89,749,844, G>C on the plus strand (C>G on the coding strand, the complement: FANCA is on the minus strand). VCF-style: chr16-89749844-G-C. GRCh37 (hg19) VCF-style: chr16-89816252-G-C.
Other names: c.3125C>G, p.Pro1042Arg (NM_001286167.3); short protein forms P1042R.
Identifiers: ClinVar variation 4619200 (VCV004619200.1).

ClinVar aggregate classification (germline): Uncertain significance (1 of 4 stars; one submission).

Conditions:
Inborn genetic diseases. Identifiers: MedGen C0950123, MeSH D030342.

Submission:

Ambry Genetics
Classification: Uncertain significance for Inborn genetic diseases. Last evaluated: 2025-10-14. Review status: criteria provided, single submitter. Criteria: Ambry Variant Classification Scheme 2023. Collection method: clinical testing. Allele origin: germline.
Comment: The p.P1042R variant (also known as c.3125C>G), located in coding exon 32 of the FANCA gene, results from a C to G substitution at nucleotide position 3125. The proline at codon 1042 is replaced by arginine, an amino acid with dissimilar properties. This amino acid position is conserved. In addition, this alteration is predicted to be tolerated by in silico analysis. Based on the available evidence, the clinical significance of this variant remains unclear.